The following is an entry in ClinVar:

NM_001244710.2(GFPT1):c.1519G>T (p.Ala507Ser)

Gene: GFPT1 (glutamine--fructose-6-phosphate transaminase 1; minus strand). Cytogenetic location: 2p13.3.
Variant type: single nucleotide variant.
Coding change: c.1519G>T on transcript NM_001244710.2 (MANE Select); coding-DNA position 1519, G replaced by T.
Protein change: p.Ala507Ser; replaces alanine 507 with serine.
Molecular consequence: missense variant.
Genome position (GRCh38, 1-based): chr2:69,329,762, C>A on the plus strand (G>T on the coding strand, the complement: GFPT1 is on the minus strand). VCF-style: chr2-69329762-C-A. GRCh37 (hg19) VCF-style: chr2-69556894-C-A.
Other names: c.1465G>T, p.Ala489Ser (NM_002056.4); short protein forms A507S, A489S.
Identifiers: ClinVar variation 1035357 (VCV001035357.9), dbSNP rs1670617199, ClinGen allele CA347422960.

ClinVar aggregate classification (germline): Uncertain significance. Review status: criteria provided, multiple submitters, no conflicts (2 of 4 stars). 2 submissions from 2 submitters: Uncertain significance (2). Last evaluated 2021-08-15.

Conditions:
Congenital myasthenic syndrome 12 (CMS12). Also called: MYASTHENIC SYNDROME, CONGENITAL, WITH TUBULAR AGGREGATES 1; Myasthenia, congenital, 12, with tubular aggregates. Identifiers: Orphanet 353327, Orphanet 590, MedGen C3552335, MONDO:0012518, OMIM 610542.
Hereditary ataxia. Also called: Hereditary Ataxias. Identifiers: Orphanet 183518, MedGen C0004138, MONDO:0100309, MONDO:0000557.

gnomAD v4.1: 13 of 1,611,642 alleles (0.00081%); highest among the groups gnomAD compares: Non-Finnish European, 0.0011%; no homozygotes.

Submissions (2):

Labcorp Genetics (formerly Invitae), Labcorp
Classification: Uncertain significance for Congenital myasthenic syndrome 12. Last evaluated: 2021-08-15. Review status: criteria provided, single submitter. Criteria: Invitae Variant Classification Sherloc (09022015). Collection method: clinical testing. Allele origin: germline.
Comment: In summary, the available evidence is currently insufficient to determine the role of this variant in disease. Therefore, it has been classified as a Variant of Uncertain Significance. Algorithms developed to predict the effect of missense changes on protein structure and function are either unavailable or do not agree on the potential impact of this missense change (SIFT: "Deleterious"; PolyPhen-2: "Possibly Damaging"; Align-GVGD: "Class C0"). This variant has not been reported in the literature in individuals with GFPT1-related conditions. This variant is not present in population databases (ExAC no frequency). This sequence change replaces alanine with serine at codon 507 of the GFPT1 protein (p.Ala507Ser). The alanine residue is highly conserved and there is a moderate physicochemical difference between alanine and serine.

Cambridge Genomics Laboratory, East Genomic Laboratory Hub, NHS Genomic Medicine Service
Classification: Uncertain significance for Hereditary ataxia. Last evaluated: 2020-02-13. Review status: criteria provided, single submitter. Criteria: ACGS Best Practice Guidelines for Variant Classification in Rare Disease 2020. Collection method: clinical testing. Allele origin: germline. Affected: yes. Observed: 1 variant allele.